The following is an entry in ClinVar:

NM_002303.6(LEPR):c.326A>G (p.Lys109Arg)

Gene: LEPR (leptin receptor; plus strand). Cytogenetic location: 1p31.3.
Variant type: single nucleotide variant.
Coding change: c.326A>G on transcript NM_002303.6 (MANE Select); coding-DNA position 326, A replaced by G.
Protein change: p.Lys109Arg; replaces lysine 109 with arginine.
Molecular consequence: missense variant.
Genome position (GRCh38, 1-based): chr1:65,570,758, A>G. VCF-style: chr1-65570758-A-G. GRCh37 (hg19) VCF-style: chr1-66036441-A-G.
Other names: c.326A>G, p.Lys109Arg (NM_001003679.3, NM_001003680.3, NM_001198687.2 and 2 more transcripts); short protein forms K109R.
Identifiers: ClinVar variation 8523 (VCV000008523.18), dbSNP rs1137100, ClinGen allele CA119672.

ClinVar aggregate classification (germline): Benign. Review status: criteria provided, multiple submitters, no conflicts (2 of 4 stars). 9 submissions from 9 submitters: Benign (6). 3 of the submissions do not count toward it. Last evaluated 2026-02-04.

Conditions:
LEPR POLYMORPHISM.
Obesity due to leptin receptor gene deficiency. Identifiers: Orphanet 179494, MedGen C3554225, MONDO:0013992, OMIM 614963.

Allele frequency attached by ClinVar (database versions not stated): TOPMed 0.25016; gnomAD 0.25399 and 0.25878; gnomAD exomes 0.27463 and 0.29743; ExAC 0.29416; 1000 Genomes Project 30x 0.31340; 1000 Genomes Project 0.32029.
gnomAD v4.1: 430,649 of 1,577,920 alleles (27%); highest among the groups gnomAD compares: East Asian, 80%; 67,595 homozygotes.

Submissions (9):

Labcorp Genetics (formerly Invitae), Labcorp
Classification: Benign. Last evaluated: 2026-02-04. Review status: criteria provided, single submitter. Criteria: Invitae Variant Classification Sherloc (09022015). Collection method: clinical testing. Allele origin: germline.

Blueprint Genetics
Classification: Benign. Last evaluated: 2024-11-26. Review status: criteria provided, single submitter. Criteria: ACMG Guidelines, 2015. Collection method: clinical testing. Allele origin: germline.

Fulgent Genetics
Classification: Benign for Obesity due to leptin receptor gene deficiency. Last evaluated: 2021-07-21. Review status: criteria provided, single submitter. Criteria: ACMG Guidelines, 2015. Collection method: clinical testing. Allele origin: unknown.

GeneDx
Classification: Benign. Last evaluated: 2018-10-22. Review status: criteria provided, single submitter. Criteria: GeneDx Variant Classification Process June 2021. Collection method: clinical testing. Allele origin: germline. Affected: yes.
Comment: This variant is associated with the following publications: (PMID: 24140454, 21204206, 19608021, 22228719, 20874424, 12634434, 18490929, 24549597, 25028703, 26150085, 9175732)

Athena Diagnostics
Classification: Benign. Last evaluated: 2017-07-28. Review status: criteria provided, single submitter. Criteria: Athena Diagnostics Criteria. Collection method: clinical testing. Allele origin: germline.

Breakthrough Genomics
Classification: Benign. Review status: criteria provided, single submitter. Criteria: ACMG Guidelines, 2015. Collection method: not provided. Allele origin: germline. Inheritance: Autosomal recessive inheritance. Affected: yes.

OMIM
Classification: Benign for LEPR POLYMORPHISM. Last evaluated: 2001-07-01. Review status: no assertion criteria provided. Collection method: literature only. Allele origin: germline. Not counted in ClinVar's aggregate classification.

Clinical Genetics, Academic Medical Center
Classification: Benign. Review status: no assertion criteria provided. Collection method: clinical testing. Allele origin: germline. Affected: yes. Study: VKGL Data-share Consensus. Not counted in ClinVar's aggregate classification.

Genome Diagnostics Laboratory, University Medical Center Utrecht
Classification: Benign. Review status: no assertion criteria provided. Collection method: clinical testing. Allele origin: germline. Affected: yes. Study: VKGL Data-share Consensus. Not counted in ClinVar's aggregate classification.

Literature cited by the submitters: PubMed 11443193 (cited by OMIM).